The following is an entry in ClinVar:

NM_003482.4(KMT2D):c.1288T>C (p.Leu430=)

Gene: KMT2D (lysine methyltransferase 2D; minus strand). Cytogenetic location: 12q13.12.
Variant type: single nucleotide variant.
Coding change: c.1288T>C on transcript NM_003482.4 (MANE Select); coding-DNA position 1288, T replaced by C.
Protein change: p.Leu430=; no amino-acid change (leucine 430 retained).
Molecular consequence: synonymous variant.
Genome position (GRCh38, 1-based): chr12:49,052,395, A>G on the plus strand (T>C on the coding strand, the complement: KMT2D is on the minus strand). VCF-style: chr12-49052395-A-G. GRCh37 (hg19) VCF-style: chr12-49446178-A-G.
Identifiers: ClinVar variation 3003132 (VCV003003132.4), dbSNP rs767667917, ClinGen allele CA6548519.

ClinVar aggregate classification (germline): Benign/Likely benign. Review status: criteria provided, multiple submitters, no conflicts (2 of 4 stars). 2 submissions from 2 submitters: Benign (1); Likely benign (1). Last evaluated 2025-06-17.

Conditions:
Kabuki syndrome. Also called: Kabuki make-up syndrome; NIIKAWA-KUROKI SYNDROME. Identifiers: Orphanet 2322, MedGen C0796004, MONDO:0016512.
KMT2D-related disorder. Also called: KMT2D-Related Disorders.

Allele frequency attached by ClinVar (database versions not stated): ExAC 0.00001; TOPMed 0.00001.

Submissions (2):

PreventionGenetics, part of Exact Sciences
Classification: Likely benign for KMT2D-related condition. Last evaluated: 2025-06-17. Review status: criteria provided, single submitter. Criteria: ACMG Guidelines, 2015. Collection method: clinical testing. Allele origin: germline.
Comment: This variant is classified as likely benign based on ACMG/AMP sequence variant interpretation guidelines (Richards et al. 2015 PMID: 25741868, with internal and published modifications).

Labcorp Genetics (formerly Invitae), Labcorp
Classification: Benign for Kabuki syndrome. Last evaluated: 2023-06-20. Review status: criteria provided, single submitter. Criteria: Invitae Variant Classification Sherloc (09022015). Collection method: clinical testing. Allele origin: germline.